The following is an entry in ClinVar:

ClinVar aggregate classification (germline): Uncertain significance (1 of 4 stars; one submission).

Submission:

Clinical Genomics Laboratory, Laboratory for Precision Diagnostics, University of Washington
Classification: Uncertain significance. Last evaluated: 2019-05-24. Review status: criteria provided, single submitter. Criteria: Clinical Cytogenomics Laboratory Policy on CNV Interpretation. Collection method: clinical testing. Allele origin: unknown. Affected: yes. Observed: 1 variant allele.

GRCh37/hg19 5p15.2(chr5:12164978-12948221)x1

Gene: LINC01194 (long intergenic non-protein coding RNA 1194; plus strand). Cytogenetic location: 5p15.2.
Variant type: copy number loss.
Change: copy number 1 (one copy instead of two) of chr5:12,164,978-12,948,221 (783.2 kb, GRCh37 coordinates, 1-based), cytogenetic band 5p15.2.
Identifiers: ClinVar variation 929367 (VCV000929367.2).